The following is an entry in ClinVar:

NM_001999.4(FBN2):c.3599-119T>C

Gene: FBN2 (fibrillin 2; minus strand). Cytogenetic location: 5q23.3.
Variant type: single nucleotide variant.
Coding change: c.3599-119T>C on transcript NM_001999.4 (MANE Select); 119 bases into the intron before coding-DNA position 3599, T replaced by C.
Molecular consequence: intron variant.
Genome position (GRCh38, 1-based): chr5:128,336,232, A>G on the plus strand (T>C on the coding strand, the complement: FBN2 is on the minus strand). VCF-style: chr5-128336232-A-G. GRCh37 (hg19) VCF-style: chr5-127671924-A-G.
Identifiers: ClinVar variation 672318 (VCV000672318.1), dbSNP rs32221, ClinGen allele CA12063099.
Genomic context (GRCh38, chr5:128,336,232, plus strand): 5'-AAAGGTGCTTCACCAGAGCAGTGGTCTCCAAAGGGGTTTGTGTACTTCACGAGGAAGTAA[A>G]ATGTTCTCCTGGGGGATTGAAAGAAAATGCTGGATTCTCTATTTCCATCTACAACAATAC-3'

ClinVar aggregate classification (germline): Benign (1 of 4 stars; one submission).

Allele frequency attached by ClinVar (database versions not stated): TOPMed 0.47033; gnomAD 0.47658 and 0.48441; gnomAD exomes 0.51128; 1000 Genomes Project 30x 0.53592; 1000 Genomes Project 0.54133.
gnomAD v4.1: 484,419 of 956,182 alleles (51%); highest among the groups gnomAD compares: East Asian, 80%; 126,605 homozygotes.

Submission:

GeneDx
Classification: Benign. Last evaluated: 2018-06-14. Review status: criteria provided, single submitter. Criteria: GeneDx Variant Classification (06012015). Collection method: clinical testing. Allele origin: germline. Affected: yes.
Comment: This variant is considered likely benign or benign based on one or more of the following criteria: it is a conservative change, it occurs at a poorly conserved position in the protein, it is predicted to be benign by multiple in silico algorithms, and/or has population frequency not consistent with disease.